The following is an entry in ClinVar:

ClinVar aggregate classification (germline): Uncertain significance (1 of 4 stars; one submission).

Conditions:
Dystonia 16 (DYT16). Also called: DYT-PRKRA. Identifiers: Orphanet 210571, MedGen C2677567, MONDO:0012789, OMIM 612067.

Allele frequency attached by ClinVar (database versions not stated): gnomAD 0.00001; gnomAD exomes 0.00004 and 0.00003; ExAC 0.00004.
gnomAD v4.1: 46 of 1,614,132 alleles (0.0028%); highest among the groups gnomAD compares: Admixed American, 0.0083%; no homozygotes.

Submission:

Labcorp Genetics (formerly Invitae), Labcorp
Classification: Uncertain significance for Dystonia 16. Last evaluated: 2020-12-29. Review status: criteria provided, single submitter. Criteria: Invitae Variant Classification Sherloc (09022015). Collection method: clinical testing. Allele origin: germline.
Comment: In summary, the available evidence is currently insufficient to determine the role of this variant in disease. Therefore, it has been classified as a Variant of Uncertain Significance. Algorithms developed to predict the effect of missense changes on protein structure and function (SIFT, PolyPhen-2, Align-GVGD) all suggest that this variant is likely to be tolerated, but these predictions have not been confirmed by published functional studies and their clinical significance is uncertain. This variant has not been reported in the literature in individuals with PRKRA-related conditions. This variant is present in population databases (rs778511975, ExAC 0.01%). This sequence change replaces asparagine with serine at codon 301 of the PRKRA protein (p.Asn301Ser). The asparagine residue is moderately conserved and there is a small physicochemical difference between asparagine and serine.

NM_003690.5(PRKRA):c.902A>G (p.Asn301Ser)

Genes: CHROMR (cholesterol induced regulator of metabolism RNA; plus strand), PRKRA (protein activator of interferon induced protein kinase EIF2AK2; minus strand). Cytogenetic location: 2q31.2.
Variant type: single nucleotide variant.
Coding change: c.902A>G on transcript NM_003690.5 (MANE Select); coding-DNA position 902, A replaced by G.
Protein change: p.Asn301Ser; replaces asparagine 301 with serine.
Molecular consequence: missense variant.
Genome position (GRCh38, 1-based): chr2:178,432,137, T>C on the plus strand (A>G on the coding strand, the complement: PRKRA is on the minus strand). VCF-style: chr2-178432137-T-C. GRCh37 (hg19) VCF-style: chr2-179296864-T-C.
Other names: c.869A>G, p.Asn290Ser (NM_001139517.2); c.827A>G, p.Asn276Ser (NM_001139518.2); c.563A>G, p.Asn188Ser (NM_001316362.2); short protein forms N290S, N188S, N276S, N301S.
Identifiers: ClinVar variation 1436220 (VCV001436220.8), dbSNP rs778511975, ClinGen allele CA1983693.
Genomic context (GRCh38, chr2:178,432,137, plus strand): 5'-TTTTTTAAGTTGCTCCAGATTTACTTTCTTTCTGCTATTATCTTTAAATACTGCAAAGCA[T>C]TGTGAGCTGCATCACTTTGTGCATTGCCACAGGAGATACCGGAGCCATGACAGACTGTGA-3'
Protein context (NP_003681.1, residues 291-311): CGNAQSDAAH[Asn301Ser]ALQYLKIIAE